The following is an entry in ClinVar:

NM_015559.3(SETBP1):c.4554G>A (p.Glu1518=)

Gene: SETBP1 (SET binding protein 1; plus strand). Cytogenetic location: 18q12.3.
Variant type: single nucleotide variant.
Coding change: c.4554G>A on transcript NM_015559.3 (MANE Select); coding-DNA position 4554, G replaced by A.
Protein change: p.Glu1518=; no amino-acid change (glutamic acid 1518 retained).
Molecular consequence: synonymous variant.
Genome position (GRCh38, 1-based): chr18:45,063,461, G>A. VCF-style: chr18-45063461-G-A. GRCh37 (hg19) VCF-style: chr18-42643426-G-A.
Identifiers: ClinVar variation 159881 (VCV000159881.53), dbSNP rs574196735, ClinGen allele CA173407.

ClinVar aggregate classification (germline): Conflicting classifications of pathogenicity. Review status: criteria provided, conflicting classifications (1 of 4 stars). 8 submissions from 8 submitters: Uncertain significance (1); Benign (1); Likely benign (4). 2 of the submissions do not count toward it. Last evaluated 2026-02-03.

Conditions:
Schinzel-Giedion syndrome (SGS). Identifiers: Orphanet 798, MedGen C0265227, MONDO:0010010, OMIM 269150.

Allele frequency attached by ClinVar (database versions not stated): ExAC below 0.00001; 1000 Genomes Project 30x 0.00047; 1000 Genomes Project 0.00060; gnomAD 0.00066 and 0.00069; TOPMed 0.00076; gnomAD exomes 0.00122.
gnomAD v4.1: 859 of 1,473,276 alleles (0.058%); highest among the groups gnomAD compares: Middle Eastern, 1.2%; 6 homozygotes.

Submissions (8):

Labcorp Genetics (formerly Invitae), Labcorp
Classification: Likely benign. Last evaluated: 2026-02-03. Review status: criteria provided, single submitter. Criteria: Invitae Variant Classification Sherloc (09022015). Collection method: clinical testing. Allele origin: germline.

CeGaT Center for Human Genetics Tuebingen
Classification: Likely benign. Last evaluated: 2025-09-01. Review status: criteria provided, single submitter. Criteria: CeGaT Center For Human Genetics Tuebingen Variant Classification Criteria Version 2. Collection method: clinical testing. Allele origin: germline. Affected: yes. Observed: 7 variant alleles.
Comment: SETBP1: BP4, BS1

Blueprint Genetics
Classification: Likely benign. Last evaluated: 2024-11-12. Review status: criteria provided, single submitter. Criteria: ACMG Guidelines, 2015. Collection method: clinical testing. Allele origin: germline.

GeneDx
Classification: Benign. Last evaluated: 2019-08-22. Review status: criteria provided, single submitter. Criteria: GeneDx Variant Classification Process June 2021. Collection method: clinical testing. Allele origin: germline. Affected: yes.

Laboratory for Molecular Medicine, Mass General Brigham Personalized Medicine
Classification: Likely benign. Last evaluated: 2016-03-29. Review status: criteria provided, single submitter. Criteria: LMM Criteria. Collection method: clinical testing. Allele origin: germline.
Comment: Variant identified in a genome or exome case(s) and assessed due to predicted null impact of the variant or pathogenic assertions in the literature or databases. Disclaimer: This variant has not undergone full assessment. The following are preliminary notes: Silent, not in splice site, no coverage in ExAC, 1 report as a VUS for Schinzel-Giedion syndrome in ClinVar (Uchicago, no additional info)

Genetic Services Laboratory, University of Chicago
Classification: Uncertain significance for Schinzel-Giedion midface retraction syndrome. Last evaluated: 2013-02-08. Review status: criteria provided, single submitter. Criteria: ACMG Guidelines, 2007. Collection method: clinical testing. Allele origin: germline. Inheritance: Autosomal dominant inheritance.

Clinical Genetics DNA and cytogenetics Diagnostics Lab, Erasmus MC, Erasmus Medical Center
Classification: Likely benign. Review status: no assertion criteria provided. Collection method: clinical testing. Allele origin: germline. Affected: yes. Study: VKGL Data-share Consensus. Not counted in ClinVar's aggregate classification.

Genome Diagnostics Laboratory, University Medical Center Utrecht
Classification: Likely benign. Review status: no assertion criteria provided. Collection method: clinical testing. Allele origin: germline. Affected: yes. Study: VKGL Data-share Consensus. Not counted in ClinVar's aggregate classification.